The following is an entry in ClinVar:

ClinVar aggregate classification (germline): Uncertain significance. Review status: criteria provided, multiple submitters, no conflicts (2 of 4 stars). 2 submissions from 2 submitters: Uncertain significance (2). Last evaluated 2023-10-17.

Conditions:
Epileptic encephalopathy. Identifiers: MedGen C0543888, HP:0200134.

Allele frequency attached by ClinVar (database versions not stated): ExAC 0.00001; gnomAD exomes 0.00001; gnomAD 0.00002; TOPMed 0.00002.
gnomAD v4.1: 6 of 1,613,662 alleles (0.00037%); highest among the groups gnomAD compares: Admixed American, 0.01%; no homozygotes.

Submissions (2):

Women's Health and Genetics/Laboratory Corporation of America, LabCorp
Classification: Uncertain significance. Last evaluated: 2023-10-17. Review status: criteria provided, single submitter. Criteria: LabCorp Variant Classification Summary - May 2015. Collection method: clinical testing. Allele origin: germline.
Comment: Variant summary: RYR3 c.13784C>G (p.Ala4595Gly) results in a non-conservative amino acid change in the encoded protein sequence. Two of four in-silico tools predict a benign effect of the variant on protein function. The variant allele was found at a frequency of 8e-06 in 249086 control chromosomes (gnomAD). The available data on variant occurrences in the general population are insufficient to allow any conclusion about variant significance. To our knowledge, no occurrence of c.13784C>G in individuals affected with Congenital Myopathy 20 and no experimental evidence demonstrating its impact on protein function have been reported. One submitter has cited clinical-significance assessments for this variant to ClinVar after 2014 and has classified the variant as uncertain significance. Based on the evidence outlined above, the variant was classified as uncertain significance.

Labcorp Genetics (formerly Invitae), Labcorp
Classification: Uncertain significance for Epileptic encephalopathy. Last evaluated: 2022-01-15. Review status: criteria provided, single submitter. Criteria: Invitae Variant Classification Sherloc (09022015). Collection method: clinical testing. Allele origin: germline.
Comment: In summary, the available evidence is currently insufficient to determine the role of this variant in disease. Therefore, it has been classified as a Variant of Uncertain Significance. Algorithms developed to predict the effect of missense changes on protein structure and function are either unavailable or do not agree on the potential impact of this missense change (SIFT: "Deleterious"; PolyPhen-2: "Benign"; Align-GVGD: "Class C0"). ClinVar contains an entry for this variant (Variation ID: 530967). This variant has not been reported in the literature in individuals affected with RYR3-related conditions. This variant is present in population databases (rs770077165, gnomAD 0.006%). This sequence change replaces alanine, which is neutral and non-polar, with glycine, which is neutral and non-polar, at codon 4595 of the RYR3 protein (p.Ala4595Gly).

NM_001036.6(RYR3):c.13784C>G (p.Ala4595Gly)

Genes: RYR3 (ryanodine receptor 3; plus strand), AVEN (apoptosis and caspase activation inhibitor; minus strand), LOC126862094 (CDK7 strongly-dependent group 2 enhancer GRCh37_chr15:34145183-34146382; plus strand). Cytogenetic location: 15q14.
Variant type: single nucleotide variant.
Coding change: c.13784C>G on transcript NM_001036.6 (MANE Select); coding-DNA position 13784, C replaced by G.
Protein change: p.Ala4595Gly; replaces alanine 4595 with glycine.
Molecular consequence: missense variant.
Genome position (GRCh38, 1-based): chr15:33,853,667, C>G. VCF-style: chr15-33853667-C-G. GRCh37 (hg19) VCF-style: chr15-34145868-C-G.
Other names: c.13769C>G, p.Ala4590Gly (NM_001243996.4); short protein forms A4595G, A4590G.
Identifiers: ClinVar variation 530967 (VCV000530967.10), dbSNP rs770077165, ClinGen allele CA7461763.